The following is an entry in ClinVar:

ClinVar aggregate classification (germline): Pathogenic (1 of 4 stars; one submission).

Conditions:
DYRK1A-related intellectual disability syndrome (MRD7). Also called: DYRK1A Syndrome; Intellectual developmental disorder, autosomal dominant 7. Identifiers: Orphanet 464306, MedGen C5568143, MONDO:0013578, OMIM 614104.

Submission:

Labcorp Genetics (formerly Invitae), Labcorp
Classification: Pathogenic for DYRK1A-related intellectual disability syndrome. Last evaluated: 2025-01-15. Review status: criteria provided, single submitter. Criteria: Invitae Variant Classification Sherloc (09022015). Collection method: clinical testing. Allele origin: germline.
Comment: This sequence change creates a premature translational stop signal (p.Asn604Lysfs*52) in the DYRK1A gene. While this is not anticipated to result in nonsense mediated decay, it is expected to disrupt the last 160 amino acid(s) of the DYRK1A protein. This variant is not present in population databases (gnomAD no frequency). This variant has not been reported in the literature in individuals affected with DYRK1A-related conditions. ClinVar contains an entry for this variant (Variation ID: 2081367). Experimental studies and prediction algorithms are not available or were not evaluated, and the functional significance of this variant is currently unknown. This variant disrupts a region of the DYRK1A protein in which other variant(s) (p.Gln681Argfs*22) have been determined to be pathogenic (internal data). This suggests that this is a clinically significant region of the protein, and that variants that disrupt it are likely to be disease-causing. For these reasons, this variant has been classified as Pathogenic.

NM_001347721.2(DYRK1A):c.1785del (p.Asn595fs)

Gene: DYRK1A (dual specificity tyrosine phosphorylation regulated kinase 1A; plus strand). Cytogenetic location: 21q22.13.
Variant type: Deletion.
Coding change: c.1785del on transcript NM_001347721.2 (MANE Select); coding-DNA position 1785, one base deleted (C; older notation c.1785delC).
Protein change: p.Asn595fs; shifts the reading frame from asparagine 595.
Molecular consequence: frameshift variant. On other transcripts: 3 prime UTR variant (2).
Genome position (GRCh38, 1-based): chr21:37,512,051, C deleted. VCF-style (leftmost placement, unchanged base first): chr21-37512050-AC-A. GRCh37 (hg19) VCF-style: chr21-38884353-AC-A.
Other names: c.1785del, p.Asn595fs (NM_001347722.2, NM_130436.2); c.1698del, p.Asn566fs (NM_001347723.2); c.1812del, p.Asn604fs (NM_001396.5); c.*188del (NM_101395.2); c.*97del (NM_130438.2); short protein forms N595fs, N566fs, N604fs.
Identifiers: ClinVar variation 2081367 (VCV002081367.4), dbSNP rs2518096175, ClinGen allele CA2580098713.
Genomic context (GRCh38, chr21:37,512,050, plus strand): 5'-TTCAAGAAACAACCTTTCATGTAGCCCCTCAACAGAATGCATTGCATCATCACCATGGTA[AC>A]AGTTCCCATCACCATCACCACCACCACCACCATCACCACCACCATGGACAACAAGCCTTG-3'